The following is an entry in ClinVar:

ClinVar aggregate classification (germline): Uncertain significance. Review status: criteria provided, multiple submitters, no conflicts (2 of 4 stars). 2 submissions from 2 submitters: Uncertain significance (2). Last evaluated 2025-05-21.

Conditions:
Hereditary cancer-predisposing syndrome. Also called: Neoplastic Syndromes, Hereditary; Hereditary Cancer Syndrome; Hereditary neoplastic syndrome; Tumor predisposition. Identifiers: Orphanet 140162, MedGen C0027672, MeSH D009386, MONDO:0015356.
DICER1-related tumor predisposition. Also called: DICER1-related pleuropulmonary blastoma cancer predisposition syndrome; DICER1 syndrome. Identifiers: Orphanet 284343, MedGen C3839822, MONDO:0100216.

Allele frequency attached by ClinVar (database versions not stated): ExAC 0.00001.

Submissions (2):

Labcorp Genetics (formerly Invitae), Labcorp
Classification: Uncertain significance for DICER1-related tumor predisposition. Last evaluated: 2025-05-21. Review status: criteria provided, single submitter. Criteria: Invitae Variant Classification Sherloc (09022015). Collection method: clinical testing. Allele origin: germline.
Comment: This sequence change replaces cysteine, which is neutral and slightly polar, with tyrosine, which is neutral and polar, at codon 1153 of the DICER1 protein (p.Cys1153Tyr). This variant is present in population databases (rs762999390, gnomAD 0.006%). This variant has not been reported in the literature in individuals affected with DICER1-related conditions. ClinVar contains an entry for this variant (Variation ID: 823794). Invitae Evidence Modeling of protein sequence and biophysical properties (such as structural, functional, and spatial information, amino acid conservation, physicochemical variation, residue mobility, and thermodynamic stability) indicates that this missense variant is not expected to disrupt DICER1 protein function with a negative predictive value of 95%. In summary, the available evidence is currently insufficient to determine the role of this variant in disease. Therefore, it has been classified as a Variant of Uncertain Significance.

Ambry Genetics
Classification: Uncertain significance for Hereditary cancer-predisposing syndrome. Last evaluated: 2024-03-14. Review status: criteria provided, single submitter. Criteria: Ambry Variant Classification Scheme 2023. Collection method: clinical testing. Allele origin: germline.
Comment: The p.C1153Y variant (also known as c.3458G>A), located in coding exon 20 of the DICER1 gene, results from a G to A substitution at nucleotide position 3458. The cysteine at codon 1153 is replaced by tyrosine, an amino acid with highly dissimilar properties. This amino acid position is well conserved in available vertebrate species. In addition, this alteration is predicted to be tolerated by in silico analysis. Since supporting evidence is limited at this time, the clinical significance of this alteration remains unclear.

Literature cited by the submitters: PubMed 29399970 (cited by Ambry Genetics).

NM_177438.3(DICER1):c.3458G>A (p.Cys1153Tyr)

Gene: DICER1 (dicer 1, ribonuclease III; minus strand). Cytogenetic location: 14q32.13.
Variant type: single nucleotide variant.
Coding change: c.3458G>A on transcript NM_177438.3 (MANE Select); coding-DNA position 3458, G replaced by A.
Protein change: p.Cys1153Tyr; replaces cysteine 1153 with tyrosine.
Molecular consequence: missense variant.
Genome position (GRCh38, 1-based): chr14:95,103,938, C>T on the plus strand (G>A on the coding strand, the complement: DICER1 is on the minus strand). VCF-style: chr14-95103938-C-T. GRCh37 (hg19) VCF-style: chr14-95570275-C-T.
Other names: c.3458G>A, p.Cys1153Tyr (NM_001195573.1, NM_001271282.3, NM_001291628.2 and 1 more transcripts); short protein forms C1153Y.
Identifiers: ClinVar variation 823794 (VCV000823794.15), dbSNP rs762999390, ClinGen allele CA7331039.